The following is an entry in ClinVar:

NM_018975.4(TERF2IP):c.770C>T (p.Ala257Val)

Gene: TERF2IP (TERF2 interacting protein; plus strand). Cytogenetic location: 16q23.1.
Variant type: single nucleotide variant.
Coding change: c.770C>T on transcript NM_018975.4 (MANE Select); coding-DNA position 770, C replaced by T.
Protein change: p.Ala257Val; replaces alanine 257 with valine.
Molecular consequence: missense variant. On other transcripts: non-coding transcript variant (1).
Genome position (GRCh38, 1-based): chr16:75,654,372, C>T. VCF-style: chr16-75654372-C-T. GRCh37 (hg19) VCF-style: chr16-75688270-C-T.
Other names: short protein forms A257V.
Identifiers: ClinVar variation 2561639 (VCV002561639.2), dbSNP rs1470251732, ClinGen allele CA396819282.

ClinVar aggregate classification (germline): Uncertain significance (1 of 4 stars; one submission).

Allele frequency attached by ClinVar (database versions not stated): gnomAD 0.00001; TOPMed 0.00001.

Submission:

Ambry Genetics
Classification: Uncertain significance. Last evaluated: 2023-04-03. Review status: criteria provided, single submitter. Criteria: Ambry Variant Classification Scheme 2023. Collection method: clinical testing. Allele origin: germline.
Comment: The p.A257V variant (also known as c.770C>T), located in coding exon 2 of the TERF2IP gene, results from a C to T substitution at nucleotide position 770. The alanine at codon 257 is replaced by valine, an amino acid with similar properties. This amino acid position is conserved. In addition, this alteration is predicted to be tolerated by in silico analysis. Since supporting evidence is limited at this time, the clinical significance of this alteration remains unclear.